The following is an entry in ClinVar:

NM_001031725.6(DDX59):c.919G>A (p.Val307Ile)

Gene: DDX59 (DEAD-box helicase 59; minus strand). Cytogenetic location: 1q32.1.
Variant type: single nucleotide variant.
Coding change: c.919G>A on transcript NM_001031725.6 (MANE Select); coding-DNA position 919, G replaced by A.
Protein change: p.Val307Ile; replaces valine 307 with isoleucine.
Molecular consequence: missense variant.
Genome position (GRCh38, 1-based): chr1:200,663,972, C>T on the plus strand (G>A on the coding strand, the complement: DDX59 is on the minus strand). VCF-style: chr1-200663972-C-T. GRCh37 (hg19) VCF-style: chr1-200633100-C-T.
Other names: c.919G>A, p.Val307Ile (NM_001320181.2, NM_001320182.1, NM_001349799.3 and 5 more transcripts); c.919G>A (NM_001031725.5); short protein forms V307I.
Identifiers: ClinVar variation 2672376 (VCV002672376.26), dbSNP rs558924701, ClinGen allele CA1318408.

ClinVar aggregate classification (germline): Benign. Review status: criteria provided, multiple submitters, no conflicts (2 of 4 stars). 3 submissions from 3 submitters: Benign (2). 1 of the submissions does not count toward it. Last evaluated 2025-12-03.

Conditions:
DDX59-related disorder. Also called: DDX59-related condition.

Allele frequency attached by ClinVar (database versions not stated): TOPMed 0.00007; gnomAD 0.00025; gnomAD exomes 0.00076; 1000 Genomes Project 30x 0.00156; ExAC 0.00176; 1000 Genomes Project 0.00180.
gnomAD v4.1: 1,126 of 1,614,198 alleles (0.07%); highest among the groups gnomAD compares: South Asian, 1.2%; 27 homozygotes.

Submissions (3):

Labcorp Genetics (formerly Invitae), Labcorp
Classification: Benign. Last evaluated: 2025-12-03. Review status: criteria provided, single submitter. Criteria: Invitae Variant Classification Sherloc (09022015). Collection method: clinical testing. Allele origin: germline.

CeGaT Center for Human Genetics Tuebingen
Classification: Benign. Last evaluated: 2023-10-01. Review status: criteria provided, single submitter. Criteria: CeGaT Center For Human Genetics Tuebingen Variant Classification Criteria Version 2. Collection method: clinical testing. Allele origin: germline. Affected: yes. Observed: 1 variant allele.
Comment: DDX59: BP4, BS1, BS2

PreventionGenetics, part of Exact Sciences
Classification: Benign for DDX59-related condition. Last evaluated: 2019-07-01. Review status: no assertion criteria provided. Collection method: clinical testing. Allele origin: germline. Not counted in ClinVar's aggregate classification.
Comment: This variant is classified as benign based on ACMG/AMP sequence variant interpretation guidelines (Richards et al. 2015 PMID: 25741868, with internal and published modifications).